The following is an entry in ClinVar:

NM_001282225.2(ADA2):c.1071C>T (p.Ala357=)

Gene: ADA2 (adenosine deaminase 2; minus strand). Cytogenetic location: 22q11.1.
Variant type: single nucleotide variant.
Coding change: c.1071C>T on transcript NM_001282225.2 (MANE Select); coding-DNA position 1071, C replaced by T.
Protein change: p.Ala357=; no amino-acid change (alanine 357 retained).
Molecular consequence: synonymous variant.
Genome position (GRCh38, 1-based): chr22:17,188,349, G>A on the plus strand (C>T on the coding strand, the complement: ADA2 is on the minus strand). VCF-style: chr22-17188349-G-A. GRCh37 (hg19) VCF-style: chr22-17669239-G-A.
Other names: c.1071C>T, p.Ala357= (NM_001282226.2); c.945C>T, p.Ala315= (NM_001282227.2, NM_001282228.2); c.711C>T, p.Ala237= (NM_001282229.2); c.348C>T, p.Ala116= (NM_177405.3).
Identifiers: ClinVar variation 474905 (VCV000474905.51), dbSNP rs144447953, ClinGen allele CA10087986.

ClinVar aggregate classification (germline): Likely benign. Review status: criteria provided, multiple submitters, no conflicts (2 of 4 stars). 5 submissions from 5 submitters: Likely benign (4). 1 of the submissions does not count toward it. Last evaluated 2025-10-29.

Conditions:
ADA2-related disorder. Also called: ADA2-related condition.
Sneddon syndrome (SNDNS). Also called: LIVEDO RETICULARIS AND CEREBROVASCULAR ACCIDENTS; Idiopathic livedo reticularis with systemic involvement. Identifiers: Orphanet 820, MedGen C0282492, MONDO:0008436, OMIM 182410.
Deficiency of adenosine deaminase 2. Also called: Polyarteritis nodosa, childhoood-onset; Adenosine Deaminase 2 Deficiency; VASCULITIS, AUTOINFLAMMATION, IMMUNODEFICIENCY, AND HEMATOLOGIC DEFECTS SYNDROME. Identifiers: Orphanet 404553, MedGen C3887654, MONDO:0014306, OMIM 615688, MONDO:0100317.

Allele frequency attached by ClinVar (database versions not stated): TOPMed 0.00014.
gnomAD v4.1: 312 of 1,612,924 alleles (0.019%); highest among the groups gnomAD compares: Admixed American, 0.025%; no homozygotes.

Submissions (5):

Labcorp Genetics (formerly Invitae), Labcorp
Classification: Likely benign for Deficiency of adenosine deaminase 2. Last evaluated: 2025-10-29. Review status: criteria provided, single submitter. Criteria: Invitae Variant Classification Sherloc (09022015). Collection method: clinical testing. Allele origin: germline.

Blueprint Genetics
Classification: Likely benign. Last evaluated: 2024-06-24. Review status: criteria provided, single submitter. Criteria: ACMG Guidelines, 2015. Collection method: clinical testing. Allele origin: germline.

Fulgent Genetics
Classification: Likely benign for Sneddon syndrome; Deficiency of adenosine deaminase 2. Last evaluated: 2021-12-27. Review status: criteria provided, single submitter. Criteria: ACMG Guidelines, 2015. Collection method: clinical testing. Allele origin: unknown.

CeGaT Center for Human Genetics Tuebingen
Classification: Likely benign. Last evaluated: 2021-02-01. Review status: criteria provided, single submitter. Criteria: CeGaT Center For Human Genetics Tuebingen Variant Classification Criteria Version 2. Collection method: clinical testing. Allele origin: germline. Affected: yes. Observed: 1 variant allele.

PreventionGenetics, part of Exact Sciences
Classification: Likely benign for ADA2-related condition. Last evaluated: 2020-11-30. Review status: no assertion criteria provided. Collection method: clinical testing. Allele origin: germline. Not counted in ClinVar's aggregate classification.
Comment: This variant is classified as likely benign based on ACMG/AMP sequence variant interpretation guidelines (Richards et al. 2015 PMID: 25741868, with internal and published modifications).